The following is an entry in ClinVar:

ClinVar aggregate classification (germline): Uncertain significance (1 of 4 stars; one submission).

Allele frequency attached by ClinVar (database versions not stated): gnomAD exomes below 0.00001.
gnomAD v4.1: 3 of 1,612,862 alleles (0.00019%); highest among the groups gnomAD compares: South Asian, 0.0033%; no homozygotes.

Submission:

Labcorp Genetics (formerly Invitae), Labcorp
Classification: Uncertain significance. Last evaluated: 2022-11-15. Review status: criteria provided, single submitter. Criteria: Invitae Variant Classification Sherloc (09022015). Collection method: clinical testing. Allele origin: germline.
Comment: This variant has not been reported in the literature in individuals affected with PCNT-related conditions. This variant is not present in population databases (gnomAD no frequency). Algorithms developed to predict the effect of missense changes on protein structure and function are either unavailable or do not agree on the potential impact of this missense change (SIFT: "Tolerated"; PolyPhen-2: "Possibly Damaging"; Align-GVGD: "Class C0"). In summary, the available evidence is currently insufficient to determine the role of this variant in disease. Therefore, it has been classified as a Variant of Uncertain Significance. This sequence change replaces threonine, which is neutral and polar, with isoleucine, which is neutral and non-polar, at codon 121 of the PCNT protein (p.Thr121Ile).

NM_006031.6(PCNT):c.362C>T (p.Thr121Ile)

Gene: PCNT (pericentrin; plus strand). Cytogenetic location: 21q22.3.
Variant type: single nucleotide variant.
Coding change: c.362C>T on transcript NM_006031.6 (MANE Select); coding-DNA position 362, C replaced by T.
Protein change: p.Thr121Ile; replaces threonine 121 with isoleucine.
Molecular consequence: missense variant.
Genome position (GRCh38, 1-based): chr21:46,334,491, C>T. VCF-style: chr21-46334491-C-T. GRCh37 (hg19) VCF-style: chr21-47754405-C-T.
Other names: c.8C>T, p.Thr3Ile (NM_001315529.2); short protein forms T121I, T3I.
Identifiers: ClinVar variation 2794301 (VCV002794301.3), dbSNP rs2083666166, ClinGen allele CA410559623.